The following is an entry in ClinVar:

ClinVar aggregate classification (germline): Uncertain significance (1 of 4 stars; one submission).

Submission:

Labcorp Genetics (formerly Invitae), Labcorp
Classification: Uncertain significance. Last evaluated: 2024-03-24. Review status: criteria provided, single submitter. Criteria: Invitae Variant Classification Sherloc (09022015). Collection method: clinical testing. Allele origin: germline.
Comment: This sequence change replaces lysine, which is basic and polar, with glutamic acid, which is acidic and polar, at codon 822 of the POLE protein (p.Lys822Glu). This variant is not present in population databases (gnomAD no frequency). This variant has not been reported in the literature in individuals affected with POLE-related conditions. Advanced modeling of protein sequence and biophysical properties (such as structural, functional, and spatial information, amino acid conservation, physicochemical variation, residue mobility, and thermodynamic stability) performed at Invitae indicates that this missense variant is expected to disrupt POLE protein function with a positive predictive value of 80%. In summary, the available evidence is currently insufficient to determine the role of this variant in disease. Therefore, it has been classified as a Variant of Uncertain Significance.

NM_006231.4(POLE):c.2464A>G (p.Lys822Glu)

Gene: POLE (DNA polymerase epsilon, catalytic subunit; minus strand). Cytogenetic location: 12q24.33.
Variant type: single nucleotide variant.
Coding change: c.2464A>G on transcript NM_006231.4 (MANE Select); coding-DNA position 2464, A replaced by G.
Protein change: p.Lys822Glu; replaces lysine 822 with glutamic acid.
Molecular consequence: missense variant.
Genome position (GRCh38, 1-based): chr12:132,665,306, T>C on the plus strand (A>G on the coding strand, the complement: POLE is on the minus strand). VCF-style: chr12-132665306-T-C. GRCh37 (hg19) VCF-style: chr12-133241892-T-C.
Other names: short protein forms K822E.
Identifiers: ClinVar variation 3709154 (VCV003709154.2).